The following is an entry in ClinVar:

ClinVar aggregate classification (germline): Uncertain significance (1 of 4 stars; one submission).

Submission:

GeneDx
Classification: Uncertain significance. Last evaluated: 2025-05-11. Review status: criteria provided, single submitter. Criteria: GeneDx Variant Classification Process June 2021. Collection method: clinical testing. Allele origin: germline. Affected: yes.
Comment: Not observed at significant frequency in large population cohorts (gnomAD); In silico analysis supports that this missense variant has a deleterious effect on protein structure/function; Has not been previously published as pathogenic or benign to our knowledge

NM_004560.4(ROR2):c.2185T>C (p.Trp729Arg)

Gene: ROR2 (receptor tyrosine kinase like orphan receptor 2; minus strand). Cytogenetic location: 9q22.31.
Variant type: single nucleotide variant.
Coding change: c.2185T>C on transcript NM_004560.4 (MANE Select); coding-DNA position 2185, T replaced by C.
Protein change: p.Trp729Arg; replaces tryptophan 729 with arginine.
Molecular consequence: missense variant.
Genome position (GRCh38, 1-based): chr9:91,724,309, A>G on the plus strand (T>C on the coding strand, the complement: ROR2 is on the minus strand). VCF-style: chr9-91724309-A-G. GRCh37 (hg19) VCF-style: chr9-94486591-A-G.
Other names: short protein forms W729R.
Identifiers: ClinVar variation 4529825 (VCV004529825.1).